The following is an entry in ClinVar:

NM_001943.5(DSG2):c.2750C>A (p.Ala917Glu)

Genes: DSG2 (desmoglein 2; plus strand), DSG2-AS1 (DSG2 antisense RNA 1; minus strand). Cytogenetic location: 18q12.1.
Variant type: single nucleotide variant.
Coding change: c.2750C>A on transcript NM_001943.5 (MANE Select); coding-DNA position 2750, C replaced by A.
Protein change: p.Ala917Glu; replaces alanine 917 with glutamic acid.
Molecular consequence: missense variant.
Genome position (GRCh38, 1-based): chr18:31,546,136, C>A. VCF-style: chr18-31546136-C-A. GRCh37 (hg19) VCF-style: chr18-29126099-C-A.
Other names: short protein forms A917E.
Identifiers: ClinVar variation 3071532 (VCV003071532.1), dbSNP rs775670183, ClinGen allele CA402146594.

ClinVar aggregate classification (germline): Uncertain significance (1 of 4 stars; one submission).

Conditions:
Arrhythmogenic right ventricular cardiomyopathy (ARVD). Also called: Arrhythmogenic right ventricular dysplasia; Cardiomyopathy, ARVC; Arrhythmogenic cardiomyopathy; Arrhythmogenic Right Ventricular Cardiomyopathy (ARVC). Identifiers: Orphanet 247, MedGen C0349788, MeSH D019571, MONDO:0016587. Disease mechanism: loss of function. Inheritance: Various modes of inheritance.

Submission:

All of Us Research Program, National Institutes of Health
Classification: Uncertain significance for Arrhythmogenic right ventricular cardiomyopathy. Last evaluated: 2023-06-08. Review status: criteria provided, single submitter. Criteria: ACMG Guidelines, 2015. Collection method: clinical testing. Allele origin: germline. Inheritance: Autosomal dominant inheritance. Observed: 1 variant allele, 1 heterozygote.
Comment: This missense variant replaces alanine with glutamic acid at codon 917 of the DSG2 protein. Computational prediction suggests that this variant may not impact protein structure and function (internally defined REVEL score threshold <= 0.5, PMID: 27666373). To our knowledge, functional studies have not been reported for this variant. This variant has not been reported in individuals affected with DSG2-related disorders in the literature. This variant has not been identified in the general population by the Genome Aggregation Database (gnomAD). The available evidence is insufficient to determine the role of this variant in disease conclusively. Therefore, this variant is classified as a Variant of Uncertain Significance.

This study involves interpretation of variants in research participants for the purpose of population health screening. Participant phenotype was not available at the time of variant classification. Additional details can be found in publication PMID: 35346344, PMCID: PMC8962531